The following is an entry in ClinVar:

NM_152594.3(SPRED1):c.477A>T (p.Gln159His)

Gene: SPRED1 (sprouty related EVH1 domain containing 1; plus strand). Cytogenetic location: 15q14.
Variant type: single nucleotide variant.
Coding change: c.477A>T on transcript NM_152594.3 (MANE Select); coding-DNA position 477, A replaced by T.
Protein change: p.Gln159His; replaces glutamine 159 with histidine.
Molecular consequence: missense variant.
Genome position (GRCh38, 1-based): chr15:38,339,790, A>T. VCF-style: chr15-38339790-A-T. GRCh37 (hg19) VCF-style: chr15-38631991-A-T.
Other names: short protein forms Q159H.
Identifiers: ClinVar variation 967570 (VCV000967570.12), dbSNP rs781477854, ClinGen allele CA7470099.
Genomic context (GRCh38, chr15:38,339,790, plus strand): 5'-CCAATAGGCAAATGAAGAGGATTCTTCCAGTTCTCTAGTGAAGGATCACCTTTTTCAGCA[A>T]GAGACAGTTGTTACCAGTGAGCCTTATAGAAGCTCAAATATAAGACCTTCTCCCTTTGAA-3'
Protein context (NP_689807.1, residues 149-169): SSLVKDHLFQ[Gln159His]ETVVTSEPYR

ClinVar aggregate classification (germline): Conflicting classifications of pathogenicity. Review status: criteria provided, conflicting classifications (1 of 4 stars). 3 submissions from 3 submitters: Uncertain significance (1); Benign (1); Likely benign (1). Last evaluated 2026-07-22.

Conditions:
Cardiovascular phenotype. Identifiers: MedGen CN230736.
Legius syndrome. Identifiers: Orphanet 137605, MedGen C1969623, MONDO:0012669, OMIM 611431. Disease mechanism: loss of function.

Allele frequency attached by ClinVar (database versions not stated): gnomAD 0.00001; ExAC 0.00004; TOPMed below 0.00001; gnomAD exomes 0.00004.
gnomAD v4.1: 24 of 1,613,876 alleles (0.0015%); highest among the groups gnomAD compares: South Asian, 0.021%; no homozygotes.

Submissions (3):

Ambry Genetics
Classification: Benign for Cardiovascular phenotype. Last evaluated: 2026-07-22. Review status: criteria provided, single submitter. Criteria: Ambry Variant Classification Scheme 2023. Collection method: clinical testing. Allele origin: germline.

Labcorp Genetics (formerly Invitae), Labcorp
Classification: Uncertain significance for Legius syndrome. Last evaluated: 2026-01-06. Review status: criteria provided, single submitter. Criteria: Invitae Variant Classification Sherloc (09022015). Collection method: clinical testing. Allele origin: germline.
Comment: This sequence change replaces glutamine, which is neutral and polar, with histidine, which is basic and polar, at codon 159 of the SPRED1 protein (p.Gln159His). This variant is present in population databases (rs781477854, gnomAD 0.03%). This variant has not been reported in the literature in individuals affected with SPRED1-related conditions. ClinVar contains an entry for this variant (Variation ID: 967570). Invitae Evidence Modeling of protein sequence and biophysical properties (such as structural, functional, and spatial information, amino acid conservation, physicochemical variation, residue mobility, and thermodynamic stability) indicates that this missense variant is not expected to disrupt SPRED1 protein function with a negative predictive value of 80%. In summary, the available evidence is currently insufficient to determine the role of this variant in disease. Therefore, it has been classified as a Variant of Uncertain Significance.

Blueprint Genetics
Classification: Likely benign. Last evaluated: 2024-03-13. Review status: criteria provided, single submitter. Criteria: ACMG Guidelines, 2015. Collection method: clinical testing. Allele origin: germline.